The following is an entry in ClinVar:

ClinVar aggregate classification (germline): Uncertain significance (1 of 4 stars; one submission).

Conditions:
Congenital sideroblastic anemia-B-cell immunodeficiency-periodic fever-developmental delay syndrome. Also called: Sideroblastic anemia with B-cell immunodeficiency, periodic fevers, and developmental delay. Identifiers: Orphanet 369861, MedGen C4015172, MONDO:0014487, OMIM 616084.

Allele frequency attached by ClinVar (database versions not stated): gnomAD exomes below 0.00001; TOPMed below 0.00001; gnomAD 0.00001.
gnomAD v4.1: 3 of 1,614,004 alleles (0.00019%); highest among the groups gnomAD compares: African/African-American, 0.0027%; no homozygotes.

Submission:

Labcorp Genetics (formerly Invitae), Labcorp
Classification: Uncertain significance for Congenital sideroblastic anemia-B-cell immunodeficiency-periodic fever-developmental delay syndrome. Last evaluated: 2022-08-19. Review status: criteria provided, single submitter. Criteria: Invitae Variant Classification Sherloc (09022015). Collection method: clinical testing. Allele origin: germline.
Comment: This sequence change replaces serine, which is neutral and polar, with proline, which is neutral and non-polar, at codon 382 of the TRNT1 protein (p.Ser382Pro). This variant is not present in population databases (gnomAD no frequency). This variant has not been reported in the literature in individuals affected with TRNT1-related conditions. ClinVar contains an entry for this variant (Variation ID: 1448526). Algorithms developed to predict the effect of missense changes on protein structure and function (SIFT, PolyPhen-2, Align-GVGD) all suggest that this variant is likely to be tolerated. In summary, the available evidence is currently insufficient to determine the role of this variant in disease. Therefore, it has been classified as a Variant of Uncertain Significance.

NM_182916.3(TRNT1):c.1144T>C (p.Ser382Pro)

Gene: TRNT1 (tRNA nucleotidyl transferase 1; plus strand). Cytogenetic location: 3p26.2.
Variant type: single nucleotide variant.
Coding change: c.1144T>C on transcript NM_182916.3 (MANE Select); coding-DNA position 1144, T replaced by C.
Protein change: p.Ser382Pro; replaces serine 382 with proline.
Molecular consequence: missense variant. On other transcripts: non-coding transcript variant (8).
Genome position (GRCh38, 1-based): chr3:3,147,993, T>C. VCF-style: chr3-3147993-T-C. GRCh37 (hg19) VCF-style: chr3-3189677-T-C.
Other names: c.1084T>C, p.Ser362Pro (NM_001302946.2); c.1144T>C, p.Ser382Pro (NM_001367321.1, NM_001367322.1, NM_001367323.1); short protein forms S382P, S362P.
Identifiers: ClinVar variation 1448526 (VCV001448526.5), dbSNP rs866447898, ClinGen allele CA68735145.